The following is an entry in ClinVar:

ClinVar aggregate classification (germline): Likely benign. Review status: criteria provided, multiple submitters, no conflicts (2 of 4 stars). 3 submissions from 3 submitters: Likely benign (3). Last evaluated 2022-11-08.

Conditions:
Hereditary cancer-predisposing syndrome. Also called: Hereditary Cancer Syndrome; Hereditary neoplastic syndrome; Neoplastic Syndromes, Hereditary; Tumor predisposition. Identifiers: Orphanet 140162, MedGen C0027672, MeSH D009386, MONDO:0015356.

Allele frequency attached by ClinVar (database versions not stated): gnomAD exomes below 0.00001 and 0.00001.
gnomAD v4.1: 4 of 1,614,166 alleles (0.00025%); highest among the groups gnomAD compares: Admixed American, 0.005%; no homozygotes.

Submissions (3):

Labcorp Genetics (formerly Invitae), Labcorp
Classification: Likely benign. Last evaluated: 2022-11-08. Review status: criteria provided, single submitter. Criteria: Invitae Variant Classification Sherloc (09022015). Collection method: clinical testing. Allele origin: germline.

Ambry Genetics
Classification: Likely benign for Hereditary cancer-predisposing syndrome. Last evaluated: 2019-05-16. Review status: criteria provided, single submitter. Criteria: Ambry Variant Classification Scheme 2023. Collection method: clinical testing. Allele origin: germline.

GeneDx
Classification: Likely benign. Last evaluated: 2016-07-11. Review status: criteria provided, single submitter. Criteria: GeneDx Variant Classification (06012015). Collection method: clinical testing. Allele origin: germline. Affected: yes.
Comment: This variant is considered likely benign or benign based on one or more of the following criteria: it is a conservative change, it occurs at a poorly conserved position in the protein, it is predicted to be benign by multiple in silico algorithms, and/or has population frequency not consistent with disease.

NM_005431.2(XRCC2):c.453G>A (p.Leu151=)

Gene: XRCC2 (X-ray repair cross complementing 2; minus strand). Cytogenetic location: 7q36.1.
Variant type: single nucleotide variant.
Coding change: c.453G>A on transcript NM_005431.2 (MANE Select); coding-DNA position 453, G replaced by A.
Protein change: p.Leu151=; no amino-acid change (leucine 151 retained).
Molecular consequence: synonymous variant.
Genome position (GRCh38, 1-based): chr7:152,649,032, C>T on the plus strand (G>A on the coding strand, the complement: XRCC2 is on the minus strand). VCF-style: chr7-152649032-C-T. GRCh37 (hg19) VCF-style: chr7-152346117-C-T.
Identifiers: ClinVar variation 387685 (VCV000387685.12), dbSNP rs1057522869, ClinGen allele CA16605298.